The following is an entry in ClinVar:

ClinVar aggregate classification (germline): Uncertain significance (1 of 4 stars; one submission).

Submission:

CeGaT Center for Human Genetics Tuebingen
Classification: Uncertain significance. Last evaluated: 2022-10-01. Review status: criteria provided, single submitter. Criteria: CeGaT Center For Human Genetics Tuebingen Variant Classification Criteria Version 2. Collection method: clinical testing. Allele origin: germline. Affected: yes. Observed: 1 variant allele.
Comment: GCNT2: PM2, BP4

NC_000006.12:g.10509132C>T

Gene: GCNT2 (glucosaminyl (N-acetyl) transferase 2 (I blood group); plus strand). Cytogenetic location: 6p24.3.
Variant type: single nucleotide variant.
Genome position: GRCh38 VCF-style: chr6-10509132-C-T. GRCh37 (hg19) VCF-style: chr6-10509365-C-T.
Identifiers: ClinVar variation 1879645 (VCV001879645.29), dbSNP rs1760482332, ClinGen allele CA362699659.